The following is an entry in ClinVar:

ClinVar aggregate classification (germline): Likely pathogenic (1 of 4 stars; one submission).

Conditions:
Rhizomelic chondrodysplasia punctata (RCDP). Identifiers: Orphanet 177, MedGen C0282529, MONDO:0015776. Disease mechanism: loss of function.

Submission:

Natera, Inc.
Classification: Likely pathogenic for Rhizomelic Chondrodysplasia Punctata. Last evaluated: 2025-04-25. Review status: criteria provided, single submitter. Criteria: Natera Variant Classification Schema (03/2026). Collection method: clinical testing. Allele origin: germline.
Comment: The c.454A>T variant in PEX7 is a nonsense variant predicted to introduce a stop codon at amino acid 152. This variant is expected to result in nonsense mediated decay, truncation, or a dysfunctional protein product. This variant is rare in the general population with a frequency below the threshold expected for the associated phenotype(s). Given the available evidence, this variant is classified as Likely Pathogenic.

NM_000288.4(PEX7):c.454A>T (p.Arg152Ter)

Gene: PEX7 (peroxisomal biogenesis factor 7; plus strand). Cytogenetic location: 6q23.3.
Variant type: single nucleotide variant.
Coding change: c.454A>T on transcript NM_000288.4 (MANE Select); coding-DNA position 454, A replaced by T.
Protein change: p.Arg152Ter; replaces arginine 152 with a stop codon.
Molecular consequence: nonsense.
Genome position (GRCh38, 1-based): chr6:136,846,109, A>T. VCF-style: chr6-136846109-A-T. GRCh37 (hg19) VCF-style: chr6-137167247-A-T.
Other names: c.340A>T, p.Arg114Ter (NM_001410945.1); short protein forms R114*, R152*.
Identifiers: ClinVar variation 4818127 (VCV004818127.1).